The following is an entry in ClinVar:

NM_002693.3(POLG):c.347C>G (p.Pro116Arg)

Genes: POLG (DNA polymerase gamma, catalytic subunit; minus strand), POLGARF (POLG alternative reading frame; minus strand). Cytogenetic location: 15q26.1.
Variant type: single nucleotide variant.
Coding change: c.347C>G on transcript NM_002693.3 (MANE Select); coding-DNA position 347, C replaced by G.
Protein change: p.Pro116Arg; replaces proline 116 with arginine.
Molecular consequence: missense variant.
Genome position (GRCh38, 1-based): chr15:89,333,408, G>C on the plus strand (C>G on the coding strand, the complement: POLG is on the minus strand). VCF-style: chr15-89333408-G-C. GRCh37 (hg19) VCF-style: chr15-89876639-G-C.
Other names: c.347C>G, p.Pro116Arg (NM_001126131.2); short protein forms P116R.
Identifiers: ClinVar variation 619438 (VCV000619438.7), dbSNP rs747828222, ClinGen allele CA10602276.

ClinVar aggregate classification (germline): Uncertain significance. Review status: criteria provided, multiple submitters, no conflicts (2 of 4 stars). 2 submissions from 2 submitters: Uncertain significance (2). Last evaluated 2022-03-19.

Conditions:
Progressive sclerosing poliodystrophy (MTDPS4A). Also called: Alpers-Huttenlocher Syndrome (AHS); Alpers Syndrome; ALPERS PROGRESSIVE INFANTILE POLIODYSTROPHY; Mitochondrial DNA depletion syndrome 4A (Alpers type); ALPERS DIFFUSE DEGENERATION OF CEREBRAL GRAY MATTER WITH HEPATIC CIRRHOSIS; Alpers-Huttenlocher Syndrome. Identifiers: Orphanet 726, MedGen C0205710, MONDO:0008758, OMIM 203700.

Allele frequency attached by ClinVar (database versions not stated): TOPMed below 0.00001.
gnomAD v4.1: 2 of 1,604,380 alleles (0.00012%); highest among the groups gnomAD compares: African/African-American, 0.0027%; no homozygotes.

Submissions (2):

Labcorp Genetics (formerly Invitae), Labcorp
Classification: Uncertain significance for Progressive sclerosing poliodystrophy. Last evaluated: 2022-03-19. Review status: criteria provided, single submitter. Criteria: Invitae Variant Classification Sherloc (09022015). Collection method: clinical testing. Allele origin: germline.
Comment: In summary, the available evidence is currently insufficient to determine the role of this variant in disease. Therefore, it has been classified as a Variant of Uncertain Significance. This sequence change replaces proline, which is neutral and non-polar, with arginine, which is basic and polar, at codon 116 of the POLG protein (p.Pro116Arg). This variant is not present in population databases (gnomAD no frequency). This variant has not been reported in the literature in individuals affected with POLG-related conditions. ClinVar contains an entry for this variant (Variation ID: 619438). Algorithms developed to predict the effect of missense changes on protein structure and function (SIFT, PolyPhen-2, Align-GVGD) all suggest that this variant is likely to be tolerated.

Wong Mito Lab, Molecular and Human Genetics, Baylor College of Medicine
Classification: Uncertain significance for Progressive sclerosing poliodystrophy. Last evaluated: 2018-10-01. Review status: criteria provided, single submitter. Criteria: ACMG Guidelines, 2015. Collection method: clinical testing. Allele origin: germline.
Comment: The NM_002693.2:c.347C>G (NP_002684.1:p.Pro116Arg) [GRCH38: NC_000015.10:g.89333408G>C] variant in POLG gene is interpretated to be a Uncertain Significance based on ACMG guidelines (PMID: 25741868). This variant meets the following evidence codes reported in the ACMG-guideline. BP4:Computational evidence/predictors indicate no impact on the POLG structure, function, or protein-protein interaction. PM2:This variant is absent in key population databases. Based on the evidence criteria codes applied, the variant is suggested to be Uncertain Significance.